The following is an entry in ClinVar:

ClinVar aggregate classification (germline): Uncertain significance. Review status: criteria provided, multiple submitters, no conflicts (2 of 4 stars). 2 submissions from 2 submitters: Uncertain significance (2). Last evaluated 2025-07-15.

Conditions:
ABCC2-related disorder. Also called: ABCC2-related condition.

gnomAD v4.1: 44 of 1,614,002 alleles (0.0027%); highest among the groups gnomAD compares: Admixed American, 0.015%; no homozygotes.

Submissions (2):

Women's Health and Genetics/Laboratory Corporation of America, LabCorp
Classification: Uncertain significance. Last evaluated: 2025-07-15. Review status: criteria provided, single submitter. Criteria: LabCorp Variant Classification Summary - May 2015. Collection method: clinical testing. Allele origin: germline.
Comment: Variant summary: ABCC2 c.2492T>C (p.Ile831Thr) results in a non-conservative amino acid change in the encoded protein sequence. Algorithms developed to predict the effect of missense changes on protein structure and function all suggest that this variant is likely to be disruptive. The variant allele was found at a frequency of 5.6e-05 in 251204 control chromosomes. This frequency is not significantly higher than estimated for a pathogenic variant in ABCC2 causing Dubin-Johnson syndrome (5.6e-05 vs 0.0035), allowing no conclusion about variant significance. To our knowledge, no occurrence of c.2492T>C in individuals affected with Dubin-Johnson syndrome and no experimental evidence demonstrating its impact on protein function have been reported. ClinVar contains an entry for this variant (Variation ID: 3352938). Based on the evidence outlined above, the variant was classified as uncertain significance.

PreventionGenetics, part of Exact Sciences
Classification: Uncertain significance for ABCC2-related condition. Last evaluated: 2024-12-16. Review status: criteria provided, single submitter. Criteria: ACMG Guidelines, 2015. Collection method: clinical testing. Allele origin: germline.
Comment: The ABCC2 c.2492T>C variant is predicted to result in the amino acid substitution p.Ile831Thr. To our knowledge, this variant has not been reported in the literature. This variant is reported in 0.023% of alleles in individuals of South Asian descent in gnomAD. At this time, the clinical significance of this variant is uncertain due to the absence of conclusive functional and genetic evidence.

NM_000392.5(ABCC2):c.2492T>C (p.Ile831Thr)

Gene: ABCC2 (ATP binding cassette subfamily C member 2; plus strand). Cytogenetic location: 10q24.2.
Variant type: single nucleotide variant.
Coding change: c.2492T>C on transcript NM_000392.5 (MANE Select); coding-DNA position 2492, T replaced by C.
Protein change: p.Ile831Thr; replaces isoleucine 831 with threonine.
Molecular consequence: missense variant.
Genome position (GRCh38, 1-based): chr10:99,819,141, T>C. VCF-style: chr10-99819141-T-C. GRCh37 (hg19) VCF-style: chr10-101578898-T-C.
Other names: short protein forms I831T.
Identifiers: ClinVar variation 3352938 (VCV003352938.3).